The following is an entry in ClinVar:

NM_198576.4(AGRN):c.698G>T (p.Arg233Leu)

Genes: AGRN (agrin; plus strand), LOC129929077 (ATAC-STARR-seq lymphoblastoid silent region 23; plus strand). Cytogenetic location: 1p36.33.
Variant type: single nucleotide variant.
Coding change: c.698G>T on transcript NM_198576.4 (MANE Select); coding-DNA position 698, G replaced by T.
Protein change: p.Arg233Leu; replaces arginine 233 with leucine.
Molecular consequence: missense variant.
Genome position (GRCh38, 1-based): chr1:1,040,851, G>T. VCF-style: chr1-1040851-G-T. GRCh37 (hg19) VCF-style: chr1-976231-G-T.
Other names: c.698G>T, p.Arg233Leu (NM_001305275.2); c.383G>T, p.Arg128Leu (NM_001364727.2); short protein forms R233L, R128L.
Identifiers: ClinVar variation 664630 (VCV000664630.8), dbSNP rs532795042, ClinGen allele CA507893.
Genomic context (GRCh38, chr1:1,040,851, plus strand): 5'-ACGCCTCCACCTACAGCAACGAATGCGAGCTGCAGCGGGCGCAGTGCAGCCAGCAGCGCC[G>T]CATCCGCCTGCTCAGCCGCGGGCCGTGCGGTGAGCGGGGCGGGGCCGGTGCCTGGGGCGG-3'
Protein context (NP_940978.2, residues 223-243): LQRAQCSQQR[Arg233Leu]IRLLSRGPCG

ClinVar aggregate classification (germline): Uncertain significance (1 of 4 stars; one submission).

Conditions:
Congenital myasthenic syndrome 8. Also called: Myasthenic syndrome, congenital, 8, with pre- and postsynaptic defects; MYASTHENIC SYNDROME, CONGENITAL, DUE TO AGRIN DEFICIENCY. Identifiers: Orphanet 590, MedGen C3808739, MONDO:0014052, OMIM 615120.

Allele frequency attached by ClinVar (database versions not stated): ExAC below 0.00001; gnomAD exomes 0.00004; gnomAD 0.00030 and 0.00032; TOPMed 0.00040; 1000 Genomes Project 0.00060; 1000 Genomes Project 30x 0.00078.
gnomAD v4.1: 81 of 1,530,598 alleles (0.0053%); highest among the groups gnomAD compares: African/African-American, 0.1%; no homozygotes.

Submission:

Labcorp Genetics (formerly Invitae), Labcorp
Classification: Uncertain significance for Congenital myasthenic syndrome 8. Last evaluated: 2025-01-15. Review status: criteria provided, single submitter. Criteria: Invitae Variant Classification Sherloc (09022015). Collection method: clinical testing. Allele origin: germline.
Comment: This sequence change replaces arginine, which is basic and polar, with leucine, which is neutral and non-polar, at codon 233 of the AGRN protein (p.Arg233Leu). This variant is present in population databases (rs532795042, gnomAD 0.1%). This missense change has been observed in individual(s) with clinical features of a neuromuscular disorder (PMID: 38544359). ClinVar contains an entry for this variant (Variation ID: 664630). An algorithm developed to predict the effect of missense changes on protein structure and function (PolyPhen-2) suggests that this variant¬†is likely to be tolerated. In summary, the available evidence is currently insufficient to determine the role of this variant in disease. Therefore, it has been classified as a Variant of Uncertain Significance.

Literature cited by the submitters: PubMed 38544359.